The following is an entry in ClinVar:

ClinVar aggregate classification (germline): Uncertain significance (1 of 4 stars; one submission).

Submission:

Women's Health and Genetics/Laboratory Corporation of America, LabCorp
Classification: Uncertain significance. Last evaluated: 2022-06-14. Review status: criteria provided, single submitter. Criteria: LabCorp Variant Classification Summary - May 2015. Collection method: clinical testing. Allele origin: germline.
Comment: Variant summary: The variant identified by MLPA or other technology involves the duplication of exons 1-30 in the FANCA gene, a region which includes the initiator codon. The exact breakpoint at the 5' end of this variant is unknown and therefore this duplication might extend upstream of the assayed region of the gene. A presumed nomenclature of c.(?_-43)_(2981+1_2982-1)dup has been designated for the purposes of this classification. It has been assumed that this is a tandem duplication in direct orientation (Richardson_GIM_2018, Newman_AJHG_2015). Since the exact breakpoints of this duplication are not known, it is not possible to predict the protein level effect of this variant. The variant was absent in 21694 control chromosomes in the gnomAD database (structural variants dataset). The available data on variant occurrences in the general population are insufficient to allow any conclusion about variant significance. To our knowledge, no occurrence of c.(?_-43)_(2981+1_2982-1)dup in individuals affected with Fanconi Anemia and no experimental evidence demonstrating its impact on protein function have been reported. No clinical diagnostic laboratories have submitted clinical-significance assessments for this variant to ClinVar after 2014. In conclusion, while it may be assumed that duplication variants including a large DNA segment upstream of the gene (i.e. containing the promoter- and other essential regulatory elements) might result in regular transcription initiation leading to an intact protein product, however shorter tandem duplication variants could result in a frameshift or in-frame duplication change causing disease. Since it is not possible to distinguish between these two outcomes in the context of this evaluation, the variant was classified as uncertain significance.

NC_000016.9:g.(89818631_89824984)_(89883066_?)dup

Gene: FANCA (FA complementation group A; minus strand). Cytogenetic location: 16q24.3.
Variant type: Duplication.
Identifiers: ClinVar variation 1698551 (VCV001698551.1).